The following is an entry in ClinVar:

NM_033380.3(COL4A5):c.3029A>G (p.Asn1010Ser)

Gene: COL4A5 (collagen type IV alpha 5 chain; plus strand). Cytogenetic location: Xq22.3.
Variant type: single nucleotide variant.
Coding change: c.3029A>G on transcript NM_033380.3 (MANE Select); coding-DNA position 3029, A replaced by G.
Protein change: p.Asn1010Ser; replaces asparagine 1010 with serine.
Molecular consequence: missense variant.
Genome position (GRCh38, 1-based): chrX:108,625,717, A>G. VCF-style: chrX-108625717-A-G. GRCh37 (hg19) VCF-style: chrX-107868947-A-G.
Other names: c.3029A>G, p.Asn1010Ser (NM_000495.5); short protein forms N1010S.
Identifiers: ClinVar variation 707019 (VCV000707019.21), dbSNP rs151077921, ClinGen allele CA10489023.
Genomic context (GRCh38, chrX:108,625,717, plus strand): 5'-CCCCAATATTGCTACATTGTCTTAATTTTACCAATTTGACCTTTCTAGGTCCCAAAGGTA[A>G]CCCTGGTCTCCCTGGACAGCCAGGTCTTATAGGACCTCCTGGACTTAAAGGAACCATCGG-3'
Protein context (NP_203699.1, residues 1000-1020): GLPGPPGPKG[Asn1010Ser]PGLPGQPGLI

ClinVar aggregate classification (germline): Benign/Likely benign. Review status: criteria provided, multiple submitters, no conflicts (2 of 4 stars). 6 submissions from 6 submitters: Benign (4); Likely benign (1). 1 of the submissions does not count toward it. Last evaluated 2026-02-04.

Conditions:
X-linked Alport syndrome (ATS1). Also called: COL4A5-Related Nephropathy; NEPHROPATHY AND DEAFNESS, X-LINKED. Identifiers: Orphanet 63, Orphanet 88917, MedGen C4746986, MONDO:0010520, OMIM 301050.
Kidney disorder. Also called: renal disease; Nephropathy; renal disorder; Kidney disease; Kidney Diseases. Identifiers: MedGen C0022658, MONDO:0005240, HP:0000112.

Allele frequency attached by ClinVar (database versions not stated): gnomAD 0.00015 and 0.00105; ESP Exome Variant Server 0.00019; gnomAD exomes 0.00416 and 0.00209; ExAC 0.00507; 1000 Genomes Project 0.00742; 1000 Genomes Project 30x 0.00749; TOPMed 0.00031.
gnomAD v4.1: 2,411 of 1,198,930 alleles (0.2%); highest among the groups gnomAD compares: South Asian, 3.9%; 29 homozygotes.

Submissions (6):

Labcorp Genetics (formerly Invitae), Labcorp
Classification: Benign. Last evaluated: 2026-02-04. Review status: criteria provided, single submitter. Criteria: Invitae Variant Classification Sherloc (09022015). Collection method: clinical testing. Allele origin: germline.

Blueprint Genetics
Classification: Likely benign. Last evaluated: 2024-11-28. Review status: criteria provided, single submitter. Criteria: ACMG Guidelines, 2015. Collection method: clinical testing. Allele origin: germline.

GeneDx
Classification: Benign. Last evaluated: 2021-09-02. Review status: criteria provided, single submitter. Criteria: GeneDx Variant Classification Process June 2021. Collection method: clinical testing. Allele origin: germline. Affected: yes.
Comment: This variant is associated with the following publications: (PMID: 24115387)

Genome Diagnostics Laboratory, The Hospital for Sick Children
Classification: Benign for Kidney disorder. Last evaluated: 2019-11-01. Review status: criteria provided, single submitter. Criteria: ACMG Guidelines, 2015. Collection method: clinical testing. Allele origin: germline.

Breakthrough Genomics
Classification: Benign. Review status: criteria provided, single submitter. Criteria: ACMG Guidelines, 2015. Collection method: not provided. Allele origin: germline. Inheritance: X-linked inheritance. Affected: yes.

Natera, Inc.
Classification: Benign for X-linked Alport syndrome. Last evaluated: 2020-01-06. Review status: no assertion criteria provided. Collection method: clinical testing. Allele origin: germline. Not counted in ClinVar's aggregate classification.